The following is an entry in ClinVar:

NM_001042492.3(NF1):c.4607T>C (p.Phe1536Ser)

Gene: NF1 (neurofibromin 1; plus strand). Cytogenetic location: 17q11.2.
Variant type: single nucleotide variant.
Coding change: c.4607T>C on transcript NM_001042492.3 (MANE Select); coding-DNA position 4607, T replaced by C.
Protein change: p.Phe1536Ser; replaces phenylalanine 1536 with serine.
Molecular consequence: missense variant.
Genome position (GRCh38, 1-based): chr17:31,261,740, T>C. VCF-style: chr17-31261740-T-C. GRCh37 (hg19) VCF-style: chr17-29588758-T-C.
Other names: c.4544T>C, p.Phe1515Ser (NM_000267.4); short protein forms F1515S, F1536S.
Identifiers: ClinVar variation 1741383 (VCV001741383.6), dbSNP rs2508429357, ClinGen allele CA399000190.
Genomic context (GRCh38, chr17:31,261,740, plus strand): 5'-ATTTTTTTTCTAAGTAGTTTGCTGTATCTAGGGATCATAAAGCTGTTGGAAGACGACCTT[T>C]TGATAAGATGGCAACACTTCTTGCATACCTGGGTCCTCCAGAGCACAAACCTGTGGCAGA-3'
Protein context (NP_001035957.1, residues 1526-1546): RDHKAVGRRP[Phe1536Ser]DKMATLLAYL

ClinVar aggregate classification (germline): Pathogenic/Likely pathogenic. Review status: criteria provided, multiple submitters, no conflicts (2 of 4 stars). 2 submissions from 2 submitters: Pathogenic (1); Likely pathogenic (1). Last evaluated 2025-09-12.

Conditions:
Cardiovascular phenotype. Identifiers: MedGen CN230736.
Hereditary cancer-predisposing syndrome. Also called: Neoplastic Syndromes, Hereditary; Tumor predisposition; Hereditary Cancer Syndrome; Hereditary neoplastic syndrome. Identifiers: Orphanet 140162, MedGen C0027672, MeSH D009386, MONDO:0015356.
Neurofibromatosis, type 1 (NF1). Also called: VON RECKLINGHAUSEN DISEASE; NEUROFIBROMATOSIS, TYPE I, SOMATIC; Neurofibromatosis, type I; Peripheral type neurofibromatosis. Identifiers: Orphanet 636, MedGen C0027831, MONDO:0018975, OMIM 162200. Disease mechanism: loss of function.

Submissions (2):

Ambry Genetics
Classification: Likely pathogenic for Cardiovascular phenotype; Hereditary cancer-predisposing syndrome. Last evaluated: 2025-09-12. Review status: criteria provided, single submitter. Criteria: Ambry Variant Classification Scheme 2023. Collection method: clinical testing. Allele origin: germline.
Comment: The p.F1515S variant (also known as c.4544T>C), located in coding exon 34 of the NF1 gene, results from a T to C substitution at nucleotide position 4544. The phenylalanine at codon 1515 is replaced by serine, an amino acid with highly dissimilar properties. This variant was reported in individual(s) with features consistent with neurofibromatosis type 1 (NF1); in at least one individual, it was determined to be de novo (external communication). This missense alteration is located in a region that has a low rate of benign missense variation (Lek M et al. Nature. 2016 Aug 18;536(7616):285-91; DECIPHER: Database of Chromosomal Imbalance and Phenotype in Humans using Ensembl Resources. Firth H.V. et al. 2009. Am.J.Hum.Genet. 84, 524-533 (DOI)). This amino acid position is highly conserved in available vertebrate species. In addition, this alteration is predicted to be deleterious by in silico analysis. Based on the majority of available evidence to date, this variant is likely to be pathogenic.

Labcorp Genetics (formerly Invitae), Labcorp
Classification: Pathogenic for Neurofibromatosis, type 1. Last evaluated: 2025-07-07. Review status: criteria provided, single submitter. Criteria: Invitae Variant Classification Sherloc (09022015). Collection method: clinical testing. Allele origin: germline.
Comment: This sequence change replaces phenylalanine, which is neutral and non-polar, with serine, which is neutral and polar, at codon 1515 of the NF1 protein (p.Phe1515Ser). This variant is not present in population databases (gnomAD no frequency). This missense change has been observed in individual(s) with NF1-related conditions (internal data). In at least one individual the variant was observed to be de novo. ClinVar contains an entry for this variant (Variation ID: 1741383). Invitae Evidence Modeling of protein sequence and biophysical properties (such as structural, functional, and spatial information, amino acid conservation, physicochemical variation, residue mobility, and thermodynamic stability) indicates that this missense variant is expected to disrupt NF1 protein function with a positive predictive value of 95%. For these reasons, this variant has been classified as Pathogenic.